The following is an entry in ClinVar:

ClinVar aggregate classification (germline): Uncertain significance (1 of 4 stars; one submission).

Submission:

Ambry Genetics
Classification: Uncertain significance. Last evaluated: 2021-08-30. Review status: criteria provided, single submitter. Criteria: Ambry Variant Classification Scheme 2023. Collection method: clinical testing. Allele origin: germline.
Comment: The c.1296_1297delGT variant, located in coding exon 7 of the GALNT12 gene, results from a deletion of two nucleotides at nucleotide positions 1296 to 1297, causing a translational frameshift with a predicted alternate stop codon (p.Y433Sfs*7). This alteration is expected to result in premature protein truncation or nonsense-mediated mRNA decay. However, the gene-disease association for GALNT12 is limited. Since supporting evidence is limited at this time, the clinical significance of this alteration remains unclear.

NM_024642.5(GALNT12):c.1296_1297del (p.Tyr433fs)

Gene: GALNT12 (polypeptide N-acetylgalactosaminyltransferase 12; plus strand). Cytogenetic location: 9q22.33.
Variant type: Microsatellite.
Coding change: c.1296_1297del on transcript NM_024642.5 (MANE Select); coding-DNA positions 1296 to 1297, 2 bases deleted (GT; older notation c.1296_1297delGT).
Protein change: p.Tyr433fs; shifts the reading frame from tyrosine 433.
Molecular consequence: frameshift variant.
Genome position (GRCh38, 1-based): chr9:98,840,085-98,840,086, GT deleted; deleting any 2 consecutive bases within chr9:98,840,082-98,840,086 gives the same sequence; the c. name uses the placement nearest the transcript's 3' end. VCF-style (leftmost placement, unchanged base first): chr9-98840081-CTG-C. GRCh37 (hg19) VCF-style: chr9-101602363-CTG-C.
Other names: short protein forms Y433fs.
Identifiers: ClinVar variation 1769202 (VCV001769202.2), dbSNP rs1836249920, ClinGen allele CA1127238066.